The following is an entry in ClinVar:

ClinVar aggregate classification (germline): Uncertain significance (1 of 4 stars; one submission).

Conditions:
Nemaline myopathy 2 (NEM2). Also called: Nemaline myopathy 2, autosomal recessive. Identifiers: MedGen C1850569, MONDO:0009725, OMIM 256030.

Allele frequency attached by ClinVar (database versions not stated): gnomAD exomes 0.00001.
gnomAD v4.1: 22 of 1,614,006 alleles (0.0014%); highest among the groups gnomAD compares: Non-Finnish European, 0.0018%; no homozygotes.

Submission:

Labcorp Genetics (formerly Invitae), Labcorp
Classification: Uncertain significance for Nemaline myopathy 2. Last evaluated: 2023-10-03. Review status: criteria provided, single submitter. Criteria: Invitae Variant Classification Sherloc (09022015). Collection method: clinical testing. Allele origin: germline.
Comment: This sequence change replaces leucine, which is neutral and non-polar, with proline, which is neutral and non-polar, at codon 4069 of the NEB protein (p.Leu4069Pro). This variant is present in population databases (rs555310415, gnomAD 0.0009%). This variant has not been reported in the literature in individuals affected with NEB-related conditions. ClinVar contains an entry for this variant (Variation ID: 2054685). Experimental studies and prediction algorithms are not available or were not evaluated, and the functional significance of this variant is currently unknown. In summary, the available evidence is currently insufficient to determine the role of this variant in disease. Therefore, it has been classified as a Variant of Uncertain Significance.

NM_001164508.2(NEB):c.12206T>C (p.Leu4069Pro)

Gene: NEB (nebulin; minus strand). Cytogenetic location: 2q23.3.
Variant type: single nucleotide variant.
Coding change: c.12206T>C on transcript NM_001164508.2 (MANE Select); coding-DNA position 12206, T replaced by C.
Protein change: p.Leu4069Pro; replaces leucine 4069 with proline.
Molecular consequence: missense variant.
Genome position (GRCh38, 1-based): chr2:151,609,933, A>G on the plus strand (T>C on the coding strand, the complement: NEB is on the minus strand). VCF-style: chr2-151609933-A-G. GRCh37 (hg19) VCF-style: chr2-152466447-A-G.
Other names: c.12206T>C, p.Leu4069Pro (NM_001164507.2, NM_001271208.2); c.11477T>C, p.Leu3826Pro (NM_004543.5); short protein forms L4069P, L3826P.
Identifiers: ClinVar variation 2054685 (VCV002054685.3), dbSNP rs555310415, ClinGen allele CA57632761.